The following is an entry in ClinVar:

ClinVar aggregate classification (germline): Uncertain significance (1 of 4 stars; one submission).

Conditions:
Hereditary cancer-predisposing syndrome. Also called: Neoplastic Syndromes, Hereditary; Tumor predisposition; Hereditary Cancer Syndrome; Hereditary neoplastic syndrome. Identifiers: Orphanet 140162, MedGen C0027672, MeSH D009386, MONDO:0015356.

Submission:

Color Diagnostics, LLC DBA Color Health
Classification: Uncertain significance for Hereditary cancer-predisposing syndrome. Last evaluated: 2023-08-02. Review status: criteria provided, single submitter. Criteria: ACMG Guidelines, 2015. Collection method: clinical testing. Allele origin: germline.
Comment: This missense variant replaces leucine with valine at codon 123 of the BARD1 protein. Computational prediction suggests that this variant may not impact protein structure and function (internally defined REVEL score threshold <= 0.5, PMID: 27666373). To our knowledge, functional studies have not been reported for this variant. This variant has not been reported in individuals affected with BARD1-related disorders in the literature. This variant has not been identified in the general population by the Genome Aggregation Database (gnomAD). The available evidence is insufficient to determine the role of this variant in disease conclusively. Therefore, this variant is classified as a Variant of Uncertain Significance.

NM_000465.4(BARD1):c.367T>G (p.Leu123Val)

Gene: BARD1 (BRCA1 associated RING domain 1; minus strand). Cytogenetic location: 2q35.
Variant type: single nucleotide variant.
Coding change: c.367T>G on transcript NM_000465.4 (MANE Select); coding-DNA position 367, T replaced by G.
Protein change: p.Leu123Val; replaces leucine 123 with valine.
Molecular consequence: missense variant. On other transcripts: intron variant (3), non-coding transcript variant (2).
Genome position (GRCh38, 1-based): chr2:214,781,507, A>C on the plus strand (T>G on the coding strand, the complement: BARD1 is on the minus strand). VCF-style: chr2-214781507-A-C. GRCh37 (hg19) VCF-style: chr2-215646231-A-C.
Other names: c.364+10790T>G (NM_001282549.2); c.310T>G, p.Leu104Val (NM_001282543.2); c.158+27905T>G (NM_001282548.2); c.215+15554T>G (NM_001282545.2); short protein forms L104V, L123V.
Identifiers: ClinVar variation 2774796 (VCV002774796.2), dbSNP rs1553622731, ClinGen allele CA350458405.